The following is an entry in ClinVar:

NM_015338.6(ASXL1):c.1799C>G (p.Thr600Ser)

Gene: ASXL1 (ASXL transcriptional regulator 1; plus strand). Cytogenetic location: 20q11.21.
Variant type: single nucleotide variant.
Coding change: c.1799C>G on transcript NM_015338.6 (MANE Select); coding-DNA position 1799, C replaced by G.
Protein change: p.Thr600Ser; replaces threonine 600 with serine.
Molecular consequence: missense variant.
Genome position (GRCh38, 1-based): chr20:32,434,511, C>G. VCF-style: chr20-32434511-C-G. GRCh37 (hg19) VCF-style: chr20-31022314-C-G.
Other names: c.1616C>G, p.Thr539Ser (NM_001363734.1); short protein forms T600S, T539S.
Identifiers: ClinVar variation 4589013 (VCV004589013.1).
Genomic context (GRCh38, chr20:32,434,511, plus strand): 5'-AACCACCCTGGGTGGTTAAAGGTCAGCCCACTTACCAGATATGCCCCCGGATCATCCCCA[C>G]CACGGAGTCCTCCTGCCGGGGTTGGACTGGCGCCAGGACCCTCGCAGACATTAAAGCCCG-3'
Protein context (NP_056153.2, residues 590-610): TYQICPRIIP[Thr600Ser]TESSCRGWTG

ClinVar aggregate classification (germline): Uncertain significance (1 of 4 stars; one submission).

Conditions:
Inborn genetic diseases. Identifiers: MedGen C0950123, MeSH D030342.

Submission:

Ambry Genetics
Classification: Uncertain significance for Inborn genetic diseases. Last evaluated: 2025-12-07. Review status: criteria provided, single submitter. Criteria: Ambry Variant Classification Scheme 2023. Collection method: clinical testing. Allele origin: germline.
Comment: The p.T600S variant (also known as c.1799C>G), located in coding exon 13 of the ASXL1 gene, results from a C to G substitution at nucleotide position 1799. The threonine at codon 600 is replaced by serine, an amino acid with similar properties. This amino acid position is conserved. In addition, this alteration is predicted to be tolerated by in silico analysis. Based on the available evidence, the clinical significance of this variant remains unclear.